The following is an entry in ClinVar:

ClinVar aggregate classification (germline): Uncertain significance (1 of 4 stars; one submission).

gnomAD v4.1: 1 of 1,610,898 alleles (0.000062%); highest among the groups gnomAD compares: Admixed American, 0.0017%; no homozygotes.

Submission:

GeneDx
Classification: Uncertain significance. Last evaluated: 2023-11-16. Review status: criteria provided, single submitter. Criteria: GeneDx Variant Classification Process June 2021. Collection method: clinical testing. Allele origin: germline. Affected: yes.
Comment: Not observed at significant frequency in large population cohorts (gnomAD); In silico analysis supports that this missense variant has a deleterious effect on protein structure/function; Has not been previously published as pathogenic or benign to our knowledge

NM_014727.3(KMT2B):c.5591G>T (p.Arg1864Leu)

Gene: KMT2B (lysine methyltransferase 2B; plus strand). Cytogenetic location: 19q13.12.
Variant type: single nucleotide variant.
Coding change: c.5591G>T on transcript NM_014727.3 (MANE Select); coding-DNA position 5591, G replaced by T.
Protein change: p.Arg1864Leu; replaces arginine 1864 with leucine.
Molecular consequence: missense variant.
Genome position (GRCh38, 1-based): chr19:35,732,061, G>T. VCF-style: chr19-35732061-G-T. GRCh37 (hg19) VCF-style: chr19-36222962-G-T.
Other names: short protein forms R1864L.
Identifiers: ClinVar variation 3363428 (VCV003363428.1).